The following is an entry in ClinVar:

NM_005677.4(COLQ):c.556-4_561del

Gene: COLQ (collagen like tail subunit of asymmetric acetylcholinesterase; minus strand). Cytogenetic location: 3p25.1.
Variant type: Deletion.
Coding change: c.556-4_561del on transcript NM_005677.4 (MANE Select); 4 bases into the intron before coding-DNA position 556 through coding-DNA position 561, 10 bases deleted (CTAGGGATCC; older notation c.556-4_561delCTAGGGATCC).
Molecular consequence: splice acceptor variant.
Genome position (GRCh38, 1-based): chr3:15,474,267-15,474,276, GGATCCCTAG deleted on the plus strand (CTAGGGATCC on the coding strand, the reverse complement: COLQ is on the minus strand); deleting any 10 consecutive bases within chr3:15,474,267-15,474,277 gives the same sequence; the c. name uses the placement nearest the transcript's 3' end. VCF-style (leftmost placement, unchanged base first): chr3-15474266-TGGATCCCTAG-T. GRCh37 (hg19) VCF-style: chr3-15515773-TGGATCCCTAG-T.
Other names: c.454-4_459del (NM_080539.4); c.526-4_531del (NM_080538.2).
Identifiers: ClinVar variation 3896826 (VCV003896826.1).

ClinVar aggregate classification (germline): Uncertain significance (1 of 4 stars; one submission).

Conditions:
Congenital myasthenic syndrome 5. Identifiers: Orphanet 590, MedGen C1864233, MONDO:0011281, OMIM 603034.

Submission:

Kariminejad - Najmabadi Pathology & Genetics Center
Classification: Uncertain significance for Congenital myasthenic syndrome 5. Last evaluated: 2018-12-17. Review status: criteria provided, single submitter. Criteria: ACMG Guidelines, 2015. Collection method: clinical testing. Allele origin: germline. Inheritance: Autosomal recessive inheritance. Affected: yes.
Comment: PVS1_Moderate?,PM2